The following is an entry in ClinVar:

NM_006904.7(PRKDC):c.10891A>G (p.Lys3631Glu)

Gene: PRKDC (protein kinase, DNA-activated, catalytic subunit; minus strand). Cytogenetic location: 8q11.21.
Variant type: single nucleotide variant.
Coding change: c.10891A>G on transcript NM_006904.7 (MANE Select); coding-DNA position 10891, A replaced by G.
Protein change: p.Lys3631Glu; replaces lysine 3631 with glutamic acid.
Molecular consequence: missense variant.
Genome position (GRCh38, 1-based): chr8:47,788,917, T>C on the plus strand (A>G on the coding strand, the complement: PRKDC is on the minus strand). VCF-style: chr8-47788917-T-C. GRCh37 (hg19) VCF-style: chr8-48701478-T-C.
Other names: c.10891A>G, p.Lys3631Glu (NM_001081640.2); short protein forms K3631E.
Identifiers: ClinVar variation 3225709 (VCV003225709.1), dbSNP rs2551861311, ClinGen allele CA371132014.

ClinVar aggregate classification (germline): Uncertain significance (1 of 4 stars; one submission).

Submission:

Ambry Genetics
Classification: Uncertain significance. Last evaluated: 2023-11-30. Review status: criteria provided, single submitter. Criteria: Ambry Variant Classification Scheme 2023. Collection method: clinical testing. Allele origin: germline.
Comment: The p.K3631E variant (also known as c.10891A>G), located in coding exon 76 of the PRKDC gene, results from an A to G substitution at nucleotide position 10891. The lysine at codon 3631 is replaced by glutamic acid, an amino acid with similar properties. This amino acid position is conserved. In addition, this alteration is predicted to be tolerated by in silico analysis. Since supporting evidence is limited at this time, the clinical significance of this alteration remains unclear.